The following is an entry in ClinVar:

NM_002519.3(NPAT):c.2563G>A (p.Ala855Thr)

Gene: NPAT (nuclear protein, coactivator of histone transcription; minus strand). Cytogenetic location: 11q22.3.
Variant type: single nucleotide variant.
Coding change: c.2563G>A on transcript NM_002519.3 (MANE Select); coding-DNA position 2563, G replaced by A.
Protein change: p.Ala855Thr; replaces alanine 855 with threonine.
Molecular consequence: missense variant.
Genome position (GRCh38, 1-based): chr11:108,172,421, C>T on the plus strand (G>A on the coding strand, the complement: NPAT is on the minus strand). VCF-style: chr11-108172421-C-T. GRCh37 (hg19) VCF-style: chr11-108043148-C-T.
Other names: c.2563G>A, p.Ala855Thr (NM_001321307.1); short protein forms A855T.
Identifiers: ClinVar variation 2568005 (VCV002568005.2), dbSNP rs1156787400, ClinGen allele CA382512710.

ClinVar aggregate classification (germline): Uncertain significance (1 of 4 stars; one submission).

Allele frequency attached by ClinVar (database versions not stated): TOPMed below 0.00001.

Submission:

Ambry Genetics
Classification: Uncertain significance. Last evaluated: 2023-05-19. Review status: criteria provided, single submitter. Criteria: Ambry Variant Classification Scheme 2023. Collection method: clinical testing. Allele origin: germline.
Comment: The p.A855T variant (also known as c.2563G>A), located in coding exon 13 of the NPAT gene, results from a G to A substitution at nucleotide position 2563. The alanine at codon 855 is replaced by threonine, an amino acid with similar properties. This amino acid position is conserved. In addition, this alteration is predicted to be tolerated by in silico analysis. Since supporting evidence is limited at this time, the clinical significance of this alteration remains unclear.